The following is an entry in ClinVar:

ClinVar aggregate classification (germline): Uncertain significance. Review status: criteria provided, multiple submitters, no conflicts (2 of 4 stars). 2 submissions from 2 submitters: Uncertain significance (2). Last evaluated 2025-08-04.

Conditions:
Cardiovascular phenotype. Identifiers: MedGen CN230736.
Arrhythmogenic cardiomyopathy with wooly hair and keratoderma. Also called: PALMOPLANTAR KERATODERMA WITH LEFT VENTRICULAR CARDIOMYOPATHY AND WOOLLY HAIR; Carvajal syndrome; Dilated cardiomyopathy with woolly hair and keratoderma; Arrhythmogenic cardiomyopathy with woolly hair and keratoderma. Identifiers: Orphanet 65282, MedGen C1854063, MONDO:0011581, OMIM 605676.

Allele frequency attached by ClinVar (database versions not stated): gnomAD exomes below 0.00001; TOPMed below 0.00001.

Submissions (2):

Ambry Genetics
Classification: Uncertain significance for Cardiovascular phenotype. Last evaluated: 2025-08-04. Review status: criteria provided, single submitter. Criteria: Ambry Variant Classification Scheme 2023. Collection method: clinical testing. Allele origin: germline.

All of Us Research Program, National Institutes of Health
Classification: Uncertain significance for Arrhythmogenic cardiomyopathy with wooly hair and keratoderma. Last evaluated: 2024-07-20. Review status: criteria provided, single submitter. Criteria: ACMG Guidelines, 2015. Collection method: clinical testing. Allele origin: germline. Inheritance: Autosomal dominant inheritance. Observed: 3 variant alleles, 3 heterozygotes.
Comment: This missense variant replaces aspartic acid with glycine at codon 761 of the DSP protein. Computational prediction suggests that this variant may not impact protein structure and function (internally defined REVEL score threshold <= 0.5, PMID: 27666373). To our knowledge, functional studies have not been reported for this variant. This variant has not been reported in individuals affected with DSP-related disorders in the literature. This variant has not been identified in the general population by the Genome Aggregation Database (gnomAD). The available evidence is insufficient to determine the role of this variant in disease conclusively. Therefore, this variant is classified as a Variant of Uncertain Significance.

This study involves interpretation of variants in research participants for the purpose of population health screening. Participant phenotype was not available at the time of variant classification. Additional details can be found in publication PMID: 35346344, PMCID: PMC8962531

NM_004415.4(DSP):c.2282A>G (p.Asp761Gly)

Gene: DSP (desmoplakin; plus strand). Cytogenetic location: 6p24.3.
Variant type: single nucleotide variant.
Coding change: c.2282A>G on transcript NM_004415.4 (MANE Select); coding-DNA position 2282, A replaced by G.
Protein change: p.Asp761Gly; replaces aspartic acid 761 with glycine.
Molecular consequence: missense variant.
Genome position (GRCh38, 1-based): chr6:7,574,237, A>G. VCF-style: chr6-7574237-A-G. GRCh37 (hg19) VCF-style: chr6-7574470-A-G.
Other names: c.2282A>G, p.Asp761Gly (NM_001008844.3, NM_001319034.2); short protein forms D761G.
Identifiers: ClinVar variation 3072056 (VCV003072056.3), dbSNP rs1759158227, ClinGen allele CA362680970.